The following is an entry in ClinVar:

ClinVar aggregate classification (germline): Pathogenic (1 of 4 stars; one submission).

gnomAD v4.1: 1 of 1,613,798 alleles (0.000062%); highest among the groups gnomAD compares: East Asian, 0.0022%; no homozygotes.

Submission:

Mayo Clinic Laboratories, Mayo Clinic
Classification: Pathogenic. Last evaluated: 2023-09-28. Review status: criteria provided, single submitter. Criteria: ACMG Guidelines, 2015. Collection method: clinical testing. Allele origin: germline. Observed: 1 variant allele.
Comment: PM2, PM3, PVS1

Literature cited by the submitters: PubMed 29691892; PubMed 32778822.

NM_001267550.2(TTN):c.88009+1G>A

Genes: TTN (titin; minus strand), TTN-AS1 (TTN antisense RNA 1; plus strand). Cytogenetic location: 2q31.2.
Variant type: single nucleotide variant.
Coding change: c.88009+1G>A on transcript NM_001267550.2 (MANE Select); the canonical splice donor site of the intron after coding-DNA position 88009, G replaced by A.
Molecular consequence: splice donor variant.
Genome position (GRCh38, 1-based): chr2:178,557,252, C>T on the plus strand (G>A on the coding strand, the complement: TTN is on the minus strand). VCF-style: chr2-178557252-C-T. GRCh37 (hg19) VCF-style: chr2-179421979-C-T.
Other names: c.60814+1G>A (NM_003319.4); c.61390+1G>A (NM_133437.4); c.61189+1G>A (NM_133432.3); c.80305+1G>A (NM_133378.4); c.83086+1G>A (NM_001256850.1).
Identifiers: ClinVar variation 3380957 (VCV003380957.1).